The following is an entry in ClinVar:

ClinVar aggregate classification (germline): Uncertain significance (1 of 4 stars; one submission).

Submission:

GeneDx
Classification: Uncertain significance. Last evaluated: 2022-10-10. Review status: criteria provided, single submitter. Criteria: GeneDx Variant Classification Process June 2021. Collection method: clinical testing. Allele origin: germline. Affected: yes.
Comment: Not observed at significant frequency in large population cohorts (gnomAD); In silico analysis supports that this missense variant does not alter protein structure/function; Has not been previously published as pathogenic or benign to our knowledge

NM_003718.5(CDK13):c.173T>C (p.Leu58Pro)

Gene: CDK13 (cyclin dependent kinase 13; plus strand). Cytogenetic location: 7p14.1.
Variant type: single nucleotide variant.
Coding change: c.173T>C on transcript NM_003718.5 (MANE Select); coding-DNA position 173, T replaced by C.
Protein change: p.Leu58Pro; replaces leucine 58 with proline.
Molecular consequence: missense variant.
Genome position (GRCh38, 1-based): chr7:39,950,814, T>C. VCF-style: chr7-39950814-T-C. GRCh37 (hg19) VCF-style: chr7-39990413-T-C.
Other names: c.173T>C, p.Leu58Pro (NM_031267.4); short protein forms L58P.
Identifiers: ClinVar variation 2497940 (VCV002497940.1), dbSNP rs905637426, ClinGen allele CA157707120.
Genomic context (GRCh38, chr7:39,950,814, plus strand): 5'-CGCTGCTGTTGCCGCTCCTGCAGCCGCAGCTCCTGCAACCGCCGCCGCCCCCGCCGCCTC[T>C]GCTCTTCCTGGCTGCTCCCGGCACGGCCGCCGCCGCAGCCGCCGCCGCCGCGGCCTCCTC-3'
Protein context (NP_003709.3, residues 48-68): LLQPPPPPPP[Leu58Pro]LFLAAPGTAA